The following is an entry in ClinVar:

NM_014727.3(KMT2B):c.3062G>A (p.Arg1021Gln)

Gene: KMT2B (lysine methyltransferase 2B; plus strand). Cytogenetic location: 19q13.12.
Variant type: single nucleotide variant.
Coding change: c.3062G>A on transcript NM_014727.3 (MANE Select); coding-DNA position 3062, G replaced by A.
Protein change: p.Arg1021Gln; replaces arginine 1021 with glutamine.
Molecular consequence: missense variant.
Genome position (GRCh38, 1-based): chr19:35,723,735, G>A. VCF-style: chr19-35723735-G-A. GRCh37 (hg19) VCF-style: chr19-36214636-G-A.
Other names: short protein forms R1021Q.
Identifiers: ClinVar variation 1308593 (VCV001308593.9), dbSNP rs376006013, ClinGen allele CA9384652.

ClinVar aggregate classification (germline): Conflicting classifications of pathogenicity. Review status: criteria provided, conflicting classifications (1 of 4 stars). 2 submissions from 2 submitters: Uncertain significance (1); Likely benign (1). Last evaluated 2022-12-06.

Allele frequency attached by ClinVar (database versions not stated): gnomAD exomes below 0.00001 and 0.00001.
gnomAD v4.1: 4 of 1,529,208 alleles (0.00026%); highest among the groups gnomAD compares: Non-Finnish European, 0.00018%; no homozygotes.

Submissions (2):

Labcorp Genetics (formerly Invitae), Labcorp
Classification: Likely benign. Last evaluated: 2022-12-06. Review status: criteria provided, single submitter. Criteria: Invitae Variant Classification Sherloc (09022015). Collection method: clinical testing. Allele origin: germline.

GeneDx
Classification: Uncertain significance. Last evaluated: 2019-04-02. Review status: criteria provided, single submitter. Criteria: GeneDx Variant Classification Process June 2021. Collection method: clinical testing. Allele origin: germline. Affected: yes.
Comment: In silico analysis, which includes protein predictors and evolutionary conservation, supports that this variant does not alter protein structure/function; Has not been previously published as pathogenic or benign to our knowledge